The following is an entry in ClinVar:

ClinVar aggregate classification (germline): Uncertain significance (1 of 4 stars; one submission).

Allele frequency attached by ClinVar (database versions not stated): gnomAD exomes below 0.00001.
gnomAD v4.1: 2 of 1,614,114 alleles (0.00012%); highest among the groups gnomAD compares: Admixed American, 0.0017%; no homozygotes.

Submission:

Labcorp Genetics (formerly Invitae), Labcorp
Classification: Uncertain significance. Last evaluated: 2025-11-01. Review status: criteria provided, single submitter. Criteria: Invitae Variant Classification Sherloc (09022015). Collection method: clinical testing. Allele origin: germline.
Comment: This sequence change replaces histidine, which is basic and polar, with arginine, which is basic and polar, at codon 5328 of the HMCN1 protein (p.His5328Arg). This variant is present in population databases (no rsID available, gnomAD 0.003%). This variant has not been reported in the literature in individuals affected with HMCN1-related conditions. ClinVar contains an entry for this variant (Variation ID: 2719389). An algorithm developed to predict the effect of missense changes on protein structure and function (PolyPhen-2) suggests that this variant is likely to be tolerated. In summary, the available evidence is currently insufficient to determine the role of this variant in disease. Therefore, it has been classified as a Variant of Uncertain Significance.

NM_031935.3(HMCN1):c.15983A>G (p.His5328Arg)

Gene: HMCN1 (hemicentin 1; plus strand). Cytogenetic location: 1q31.1.
Variant type: single nucleotide variant.
Coding change: c.15983A>G on transcript NM_031935.3 (MANE Select); coding-DNA position 15983, A replaced by G.
Protein change: p.His5328Arg; replaces histidine 5328 with arginine.
Molecular consequence: missense variant.
Genome position (GRCh38, 1-based): chr1:186,178,455, A>G. VCF-style: chr1-186178455-A-G. GRCh37 (hg19) VCF-style: chr1-186147587-A-G.
Other names: short protein forms H5328R.
Identifiers: ClinVar variation 2719389 (VCV002719389.3), dbSNP rs1347386887, ClinGen allele CA343936950.